The following is an entry in ClinVar:

ClinVar aggregate classification (germline): Uncertain significance. Review status: criteria provided, multiple submitters, no conflicts (2 of 4 stars). 2 submissions from 2 submitters: Uncertain significance (2). Last evaluated 2025-11-20.

Conditions:
Inborn genetic diseases. Identifiers: MedGen C0950123, MeSH D030342.
Monocytopenia with susceptibility to infections. Also called: IMMUNODEFICIENCY 21; GATA2 DEFICIENCY; MONOCYTOPENIA AND MYCOBACTERIAL INFECTION SYNDROME; MONOCYTOPENIA WITH SUSCEPTIBILITY TO MYCOBACTERIAL, FUNGAL, AND PAPILLOMAVIRUS INFECTIONS AND MYELODYSPLASIA; COMBINED IMMUNODEFICIENCY WITH SUSCEPTIBILITY TO MYCOBACTERIAL, VIRAL, AND FUNGAL INFECTIONS; Dendritic cell, monocyte, B lymphocyte, and natural killer lymphocyte deficiency. Identifiers: Orphanet 228423, MedGen C3280030, MONDO:0013607, OMIM 614172.
Deafness-lymphedema-leukemia syndrome. Also called: Emberger syndrome; Lymphedema, primary, with myelodysplasia. Identifiers: Orphanet 3226, MedGen C3279664, MONDO:0013540, OMIM 614038.

Allele frequency attached by ClinVar (database versions not stated): gnomAD exomes below 0.00001.
gnomAD v4.1: 1 of 1,613,800 alleles (0.000062%); highest among the groups gnomAD compares: Non-Finnish European, 0.000085%; no homozygotes.

Submissions (2):

Ambry Genetics
Classification: Uncertain significance for Inborn genetic diseases. Last evaluated: 2025-11-20. Review status: criteria provided, single submitter. Criteria: Ambry Variant Classification Scheme 2023. Collection method: clinical testing. Allele origin: germline.
Comment: The p.S196F variant (also known as c.587C>T), located in coding exon 2 of the GATA2 gene, results from a C to T substitution at nucleotide position 587. The serine at codon 196 is replaced by phenylalanine, an amino acid with highly dissimilar properties. This amino acid position is conserved. In addition, the in silico prediction for this alteration is inconclusive. Based on the available evidence, the clinical significance of this variant remains unclear.

Labcorp Genetics (formerly Invitae), Labcorp
Classification: Uncertain significance for Monocytopenia with susceptibility to infections; Deafness-lymphedema-leukemia syndrome. Last evaluated: 2021-01-24. Review status: criteria provided, single submitter. Criteria: Invitae Variant Classification Sherloc (09022015). Collection method: clinical testing. Allele origin: germline.
Comment: This sequence change replaces serine with phenylalanine at codon 196 of the GATA2 protein (p.Ser196Phe). The serine residue is weakly conserved and there is a large physicochemical difference between serine and phenylalanine. This variant is not present in population databases (ExAC no frequency). This variant has not been reported in the literature in individuals with GATA2-related conditions. Algorithms developed to predict the effect of missense changes on protein structure and function are either unavailable or do not agree on the potential impact of this missense change (SIFT: "Deleterious"; PolyPhen-2: "Probably Damaging"; Align-GVGD: "Class C0"). In summary, the available evidence is currently insufficient to determine the role of this variant in disease. Therefore, it has been classified as a Variant of Uncertain Significance.

NM_032638.5(GATA2):c.587C>T (p.Ser196Phe)

Gene: GATA2 (GATA binding protein 2; minus strand). Cytogenetic location: 3q21.3.
Variant type: single nucleotide variant.
Coding change: c.587C>T on transcript NM_032638.5 (MANE Select); coding-DNA position 587, C replaced by T.
Protein change: p.Ser196Phe; replaces serine 196 with phenylalanine.
Molecular consequence: missense variant.
Genome position (GRCh38, 1-based): chr3:128,486,011, G>A on the plus strand (C>T on the coding strand, the complement: GATA2 is on the minus strand). VCF-style: chr3-128486011-G-A. GRCh37 (hg19) VCF-style: chr3-128204854-G-A.
Other names: c.587C>T (NM_032638.4); c.587C>T, p.Ser196Phe (NM_001145661.2, NM_001145662.1); short protein forms S196F.
Identifiers: ClinVar variation 1486014 (VCV001486014.9), dbSNP rs1200135021, ClinGen allele CA354406463.